The following is an entry in ClinVar:

ClinVar aggregate classification (germline): Uncertain significance. Review status: criteria provided, single submitter (1 of 4 stars). 2 submissions from 2 submitters: Uncertain significance (1). 1 of the submissions does not count toward it. Last evaluated 2022-02-02.

Conditions:
Autosomal dominant Alport syndrome (ATS3A). Also called: ALPORT SYNDROME 3A, AUTOSOMAL DOMINANT; Alport syndrome dominant type; Renal failure and sensorineural hearing loss. Identifiers: Orphanet 63, Orphanet 88918, MedGen C5882663, MONDO:0007086, OMIM 104200.

Allele frequency attached by ClinVar (database versions not stated): ExAC 0.00001; gnomAD exomes 0.00001 and 0.00002; gnomAD 0.00002; TOPMed 0.00002.
gnomAD v4.1: 23 of 1,614,146 alleles (0.0014%); highest among the groups gnomAD compares: Middle Eastern, 0.033%; 1 homozygote.

Submissions (2):

GeneDx
Classification: Uncertain significance. Last evaluated: 2022-02-02. Review status: criteria provided, single submitter. Criteria: GeneDx Variant Classification Process June 2021. Collection method: clinical testing. Allele origin: germline. Affected: yes.
Comment: Not observed at significant frequency in large population cohorts (gnomAD); In silico analysis supports that this missense variant does not alter protein structure/function; Occurs in the triple helical domain at the X position in the canonical Gly-X-Y repeat; although this variant may have an effect on normal protein folding and function, missense substitution at the X position is not a common mechanism of disease; This variant is associated with the following publications: (PMID: 30295827, 34426522)

Bioscientia Institut fuer Medizinische Diagnostik GmbH, Sonic Healthcare
Classification: Uncertain significance for Autosomal dominant Alport syndrome. Last evaluated: 2018-05-02. Review status: no assertion criteria provided. Collection method: clinical testing. Allele origin: germline. Affected: yes. Not counted in ClinVar's aggregate classification.

NM_000091.5(COL4A3):c.1978C>A (p.Pro660Thr)

Genes: MFF-DT (MFF divergent transcript; minus strand), COL4A3 (collagen type IV alpha 3 chain; plus strand). Cytogenetic location: 2q36.3.
Variant type: single nucleotide variant.
Coding change: c.1978C>A on transcript NM_000091.5 (MANE Select); coding-DNA position 1978, C replaced by A.
Protein change: p.Pro660Thr; replaces proline 660 with threonine.
Molecular consequence: missense variant.
Genome position (GRCh38, 1-based): chr2:227,276,435, C>A. VCF-style: chr2-227276435-C-A. GRCh37 (hg19) VCF-style: chr2-228141151-C-A.
Other names: short protein forms P660T.
Identifiers: ClinVar variation 599113 (VCV000599113.3), dbSNP rs773674552, ClinGen allele CA2146816.
Genomic context (GRCh38, chr2:227,276,435, plus strand): 5'-TTTCCTTAAGGCCCTAGGGGAGAGCTCAGTGTTTCAACACCAGTTCCAGGCCCACCAGGA[C>A]CTCCAGGGCCCCCTGGCCATCCTGGCCCCCAAGGTCCACCTGGTAAGTATCCTCTGCCAA-3'
Protein context (NP_000082.2, residues 650-670): VSTPVPGPPG[Pro660Thr]PGPPGHPGPQ